The following is an entry in ClinVar:

ClinVar aggregate classification (germline): Pathogenic. Review status: criteria provided, multiple submitters, no conflicts (2 of 4 stars). 2 submissions from 2 submitters: Pathogenic (2). Last evaluated 2026-05-19.

Conditions:
Hereditary cancer-predisposing syndrome. Also called: Tumor predisposition; Hereditary Cancer Syndrome; Neoplastic Syndromes, Hereditary; Hereditary neoplastic syndrome. Identifiers: Orphanet 140162, MedGen C0027672, MeSH D009386, MONDO:0015356.
Birt-Hogg-Dube syndrome. Also called: Birt Hogg Dubé syndrome. Identifiers: Orphanet 122, MedGen C0346010, MONDO:0800444.

Submissions (2):

Ambry Genetics
Classification: Pathogenic for Hereditary cancer-predisposing syndrome. Last evaluated: 2026-05-19. Review status: criteria provided, single submitter. Criteria: Ambry Variant Classification Scheme 2023. Collection method: clinical testing. Allele origin: germline.
Comment: The c.237_240dupGGAC pathogenic mutation, located in coding exon 1 of the FLCN gene, results from a duplication of GGAC at nucleotide position 237, causing a translational frameshift with a predicted alternate stop codon (p.M81Gfs*20). This variant is considered to be rare based on population cohorts in the Genome Aggregation Database (gnomAD). This alteration is expected to result in loss of function by premature protein truncation or nonsense-mediated mRNA decay. As such, this alteration is interpreted as a disease-causing mutation.

Labcorp Genetics (formerly Invitae), Labcorp
Classification: Pathogenic for Birt-Hogg-Dube syndrome. Last evaluated: 2022-08-16. Review status: criteria provided, single submitter. Criteria: Invitae Variant Classification Sherloc (09022015). Collection method: clinical testing. Allele origin: germline.
Comment: For these reasons, this variant has been classified as Pathogenic. ClinVar contains an entry for this variant (Variation ID: 645451). This variant has not been reported in the literature in individuals affected with FLCN-related conditions. This variant is not present in population databases (gnomAD no frequency). This sequence change creates a premature translational stop signal (p.Met81Glyfs*20) in the FLCN gene. It is expected to result in an absent or disrupted protein product. Loss-of-function variants in FLCN are known to be pathogenic (PMID: 15852235).

Literature cited by the submitters: PubMed 15852235 (cited by Labcorp Genetics (formerly Invitae), Labcorp).

NM_144997.7(FLCN):c.237_240dup (p.Met81fs)

Gene: FLCN (folliculin; minus strand). Cytogenetic location: 17p11.2.
Variant type: Duplication.
Coding change: c.237_240dup on transcript NM_144997.7 (MANE Select); coding-DNA positions 237 to 240, 4 bases duplicated (GGAC; older notation c.237_240dupGGAC).
Protein change: p.Met81fs; shifts the reading frame from methionine 81.
Molecular consequence: frameshift variant.
Genome position (GRCh38, 1-based): chr17:17,227,898-17,227,901, GTCC duplicated on the plus strand (GGAC on the coding strand, the reverse complement: FLCN is on the minus strand); duplicating any 4 consecutive bases within chr17:17,227,898-17,227,902 gives the same sequence; the c. name uses the placement nearest the transcript's 3' end. VCF-style (leftmost placement, unchanged base first): chr17-17227897-T-TGTCC. GRCh37 (hg19) VCF-style: chr17-17131211-T-TGTCC.
Other names: c.237_240dup (LRG_325t1); c.237_240dup, p.Met81fs (NM_001353229.2, NM_001353230.2, NM_001353231.2 and 1 more transcripts); short protein forms M81fs.
Identifiers: ClinVar variation 645451 (VCV000645451.11), dbSNP rs1597617148, ClinGen allele CA915949609.